The following is an entry in ClinVar:

ClinVar aggregate classification (germline): Uncertain significance. Review status: criteria provided, multiple submitters, no conflicts (2 of 4 stars). 3 submissions from 3 submitters: Uncertain significance (2). 1 of the submissions does not count toward it. Last evaluated 2024-09-24.

Conditions:
Retinitis pigmentosa (RP). Identifiers: Orphanet 791, MedGen C0035334, MeSH D012174, MONDO:0019200, OMIM 268000. Inheritance: Autosomal dominant, autosomal recessive and X linked inheritance.

Allele frequency attached by ClinVar (database versions not stated): ExAC 0.00002; gnomAD 0.00002 and 0.00003; gnomAD exomes 0.00002 and 0.00003; TOPMed 0.00005; 1000 Genomes Project 30x 0.00016; 1000 Genomes Project 0.00020.
gnomAD v4.1: 32 of 1,613,336 alleles (0.002%); highest among the groups gnomAD compares: Admixed American, 0.01%; no homozygotes.

Submissions (3):

Blueprint Genetics
Classification: Uncertain significance. Last evaluated: 2024-09-24. Review status: criteria provided, single submitter. Criteria: ACMG Guidelines, 2015. Collection method: clinical testing. Allele origin: germline.

Labcorp Genetics (formerly Invitae), Labcorp
Classification: Uncertain significance. Last evaluated: 2023-11-27. Review status: criteria provided, single submitter. Criteria: Invitae Variant Classification Sherloc (09022015). Collection method: clinical testing. Allele origin: germline.
Comment: This sequence change replaces serine, which is neutral and polar, with leucine, which is neutral and non-polar, at codon 401 of the RCBTB1 protein (p.Ser401Leu). This variant is present in population databases (rs556664001, gnomAD 0.009%). This missense change has been observed in individual(s) with retinal dystrophy (PMID: 27486781). ClinVar contains an entry for this variant (Variation ID: 253021). Advanced modeling of protein sequence and biophysical properties (such as structural, functional, and spatial information, amino acid conservation, physicochemical variation, residue mobility, and thermodynamic stability) performed at Invitae indicates that this missense variant is not expected to disrupt RCBTB1 protein function with a negative predictive value of 80%. In summary, the available evidence is currently insufficient to determine the role of this variant in disease. Therefore, it has been classified as a Variant of Uncertain Significance.

Center for Medical Genetics Ghent, University of Ghent
Classification: Uncertain significance for Retinitis pigmentosa. Review status: no assertion criteria provided. Collection method: research. Allele origin: germline. Affected: yes. Not counted in ClinVar's aggregate classification.

Literature cited by the submitters: PubMed 27486781 (cited by Labcorp Genetics (formerly Invitae), Labcorp and Center for Medical Genetics Ghent, University of Ghent).

NM_018191.4(RCBTB1):c.1202C>T (p.Ser401Leu)

Gene: RCBTB1 (RCC1 and BTB domain containing protein 1; minus strand). Cytogenetic location: 13q14.2.
Variant type: single nucleotide variant.
Coding change: c.1202C>T on transcript NM_018191.4 (MANE Select); coding-DNA position 1202, C replaced by T.
Protein change: p.Ser401Leu; replaces serine 401 with leucine.
Molecular consequence: missense variant. On other transcripts: non-coding transcript variant (2).
Genome position (GRCh38, 1-based): chr13:49,541,798, G>A on the plus strand (C>T on the coding strand, the complement: RCBTB1 is on the minus strand). VCF-style: chr13-49541798-G-A. GRCh37 (hg19) VCF-style: chr13-50115934-G-A.
Other names: c.1202C>T, p.Ser401Leu (NM_001352500.2, NM_001352501.2, NM_001352502.2 and 2 more transcripts); c.623C>T, p.Ser208Leu (NM_001352506.2); short protein forms S401L, S208L.
Identifiers: ClinVar variation 253021 (VCV000253021.7), dbSNP rs556664001, ClinGen allele CA6982637.